The following is an entry in ClinVar:

ClinVar aggregate classification (germline): Uncertain significance. Review status: criteria provided, multiple submitters, no conflicts (2 of 4 stars). 2 submissions from 2 submitters: Uncertain significance (2). Last evaluated 2022-04-25.

Conditions:
Progressive myoclonic epilepsy. Also called: Familial progressive myoclonic epilepsy; Myoclonic Epilepsies, Progressive; Myoclonus epilepsy; Progressive myoclonus epilepsy. Identifiers: Orphanet 308, Orphanet 98261, MedGen C0751778, MONDO:0020074.

Allele frequency attached by ClinVar (database versions not stated): gnomAD exomes below 0.00001; TOPMed below 0.00001.
gnomAD v4.1: 5 of 1,266,568 alleles (0.00039%); highest among the groups gnomAD compares: Non-Finnish European, 0.00051%; no homozygotes.

Submissions (2):

Mayo Clinic Laboratories, Mayo Clinic
Classification: Uncertain significance. Last evaluated: 2022-04-25. Review status: criteria provided, single submitter. Criteria: ACMG Guidelines, 2015. Collection method: clinical testing. Allele origin: germline. Observed: 1 variant allele.
Comment: BP4, PM2

Labcorp Genetics (formerly Invitae), Labcorp
Classification: Uncertain significance for Progressive myoclonic epilepsy. Last evaluated: 2019-02-11. Review status: criteria provided, single submitter. Criteria: Invitae Variant Classification Sherloc (09022015). Collection method: clinical testing. Allele origin: germline.
Comment: In summary, the available evidence is currently insufficient to determine the role of this variant in disease. Therefore, it has been classified as a Variant of Uncertain Significance. Algorithms developed to predict the effect of missense changes on protein structure and function output the following: SIFT: "Tolerated"; PolyPhen-2: "Benign"; Align-GVGD: "Class C0". The proline amino acid residue is found in multiple mammalian species, suggesting that this missense change does not adversely affect protein function. These predictions have not been confirmed by published functional studies and their clinical significance is uncertain. This variant has not been reported in the literature in individuals with EPM2A-related conditions. The frequency data for this variant in the population databases is considered unreliable, as metrics indicate insufficient coverage at this position in the ExAC database. This sequence change replaces glutamine with proline at codon 55 of the EPM2A protein (p.Gln55Pro). The glutamine residue is moderately conserved and there is a moderate physicochemical difference between glutamine and proline.

NM_005670.4(EPM2A):c.164A>C (p.Gln55Pro)

Genes: EPM2A (EPM2A glucan phosphatase, laforin; minus strand), EPM2A-DT (EPM2A divergent transcript; plus strand), LOC129997381 (ATAC-STARR-seq lymphoblastoid silent region 17642; plus strand). Cytogenetic location: 6q24.3.
Variant type: single nucleotide variant.
Coding change: c.164A>C on transcript NM_005670.4 (MANE Select); coding-DNA position 164, A replaced by C.
Protein change: p.Gln55Pro; replaces glutamine 55 with proline.
Molecular consequence: missense variant. On other transcripts: 5 prime UTR variant (3), intron variant (1).
Genome position (GRCh38, 1-based): chr6:145,735,335, T>G on the plus strand (A>C on the coding strand, the complement: EPM2A is on the minus strand). VCF-style: chr6-145735335-T-G. GRCh37 (hg19) VCF-style: chr6-146056471-T-G.
Other names: p.Gln55Pro; c.164A>C, p.Gln55Pro (NM_001018041.2, NM_001360057.2, NM_001368130.1); c.-506A>C (NM_001360071.2); c.-460A>C (NM_001368129.2); c.-204A>C (NM_001368131.1); c.-114+573A>C (NM_001360064.2); short protein forms Q55P.
Identifiers: ClinVar variation 856564 (VCV000856564.9), dbSNP rs1776803315, ClinGen allele CA366188155.